The following is an entry in ClinVar:

ClinVar aggregate classification (germline): Uncertain significance (1 of 4 stars; one submission).

Conditions:
Ehlers-Danlos syndrome, classic type, 1 (EDSCL1). Also called: EDS I; EHLERS-DANLOS SYNDROME, GRAVIS TYPE; EHLERS-DANLOS SYNDROME, SEVERE CLASSIC TYPE; Ehlers-Danlos Syndrome, Classic Type, COL5A1-Related; Ehlers-Danlos syndrome, type 1. Identifiers: MedGen C0268335, MONDO:0019567, OMIM 130000.

Submission:

Labcorp Genetics (formerly Invitae), Labcorp
Classification: Uncertain significance for Ehlers-Danlos syndrome, classic type, 1. Last evaluated: 2023-10-03. Review status: criteria provided, single submitter. Criteria: Invitae Variant Classification Sherloc (09022015). Collection method: clinical testing. Allele origin: germline.
Comment: This sequence change falls in intron 26 of the COL5A1 gene. It does not directly change the encoded amino acid sequence of the COL5A1 protein. It affects a nucleotide within the consensus splice site. This variant is not present in population databases (gnomAD no frequency). This variant has not been reported in the literature in individuals affected with COL5A1-related conditions. ClinVar contains an entry for this variant (Variation ID: 655250). Variants that disrupt the consensus splice site are a relatively common cause of aberrant splicing (PMID: 17576681, 9536098). Algorithms developed to predict the effect of sequence changes on RNA splicing suggest that this variant is not likely to affect RNA splicing. In summary, the available evidence is currently insufficient to determine the role of this variant in disease. Therefore, it has been classified as a Variant of Uncertain Significance.

Literature cited by the submitters: PubMed 17576681; PubMed 9536098.

NM_000093.5(COL5A1):c.2331+4G>C

Gene: COL5A1 (collagen type V alpha 1 chain; plus strand). Cytogenetic location: 9q34.3.
Variant type: single nucleotide variant.
Coding change: c.2331+4G>C on transcript NM_000093.5 (MANE Select); 4 bases into the intron after coding-DNA position 2331, G replaced by C.
Molecular consequence: intron variant.
Genome position (GRCh38, 1-based): chr9:134,772,838, G>C. VCF-style: chr9-134772838-G-C. GRCh37 (hg19) VCF-style: chr9-137664684-G-C.
Other names: c.2331+4G>C (NM_001278074.1).
Identifiers: ClinVar variation 655250 (VCV000655250.10), dbSNP rs1588532335, ClinGen allele CA915947243.